The following is an entry in ClinVar:

NM_017534.6(MYH2):c.91C>A (p.Pro31Thr)

Genes: MYH2 (myosin heavy chain 2; minus strand), MYHAS (myosin heavy chain gene cluster antisense RNA; plus strand). Cytogenetic location: 17p13.1.
Variant type: single nucleotide variant.
Coding change: c.91C>A on transcript NM_017534.6 (MANE Select); coding-DNA position 91, C replaced by A.
Protein change: p.Pro31Thr; replaces proline 31 with threonine.
Molecular consequence: missense variant.
Genome position (GRCh38, 1-based): chr17:10,547,830, G>T on the plus strand (C>A on the coding strand, the complement: MYH2 is on the minus strand). VCF-style: chr17-10547830-G-T. GRCh37 (hg19) VCF-style: chr17-10451147-G-T.
Other names: c.91C>A, p.Pro31Thr (NM_001100112.2); c.91C>A (NM_017534.5); short protein forms P31T.
Identifiers: ClinVar variation 2919624 (VCV002919624.4), dbSNP rs367640819, ClinGen allele CA8391734.

ClinVar aggregate classification (germline): Uncertain significance. Review status: criteria provided, multiple submitters, no conflicts (2 of 4 stars). 2 submissions from 2 submitters: Uncertain significance (2). Last evaluated 2026-08-23.

Conditions:
Myopathy, proximal, and ophthalmoplegia (CMYO6). Also called: CONGENITAL MYOPATHY 6 WITH OPHTHALMOPLEGIA; MYOPATHY WITH CONGENITAL JOINT CONTRACTURES, OPHTHALMOPLEGIA, AND RIMMED VACUOLES; INCLUSION BODY MYOPATHY 3, AUTOSOMAL DOMINANT. Identifiers: Orphanet 363677, Orphanet 79091, MedGen C1854106, MONDO:0011577, OMIM 605637.
Inborn genetic diseases. Identifiers: MedGen C0950123, MeSH D030342.

gnomAD v4.1: 1 of 1,614,056 alleles (0.000062%); highest among the groups gnomAD compares: East Asian, 0.0022%; no homozygotes.

Submissions (2):

Ambry Genetics
Classification: Uncertain significance for Inborn genetic diseases. Last evaluated: 2026-08-23. Review status: criteria provided, single submitter. Criteria: Ambry Variant Classification Scheme 2023. Collection method: clinical testing. Allele origin: germline.
Comment: The c.91C>A (p.P31T) alteration is located in exon 3 (coding exon 1) of the MYH2 gene. This alteration results from a C to A substitution at nucleotide position 91, causing the proline (P) at amino acid position 31 to be replaced by a threonine (T). Based on data from gnomAD, the A allele has an overall frequency of <0.001% (1/251152) total alleles studied. The highest observed frequency was <0.001% (/) of alleles. Based on insufficient or conflicting evidence, the clinical significance of this alteration remains unclear.

Labcorp Genetics (formerly Invitae), Labcorp
Classification: Uncertain significance for Myopathy, proximal, and ophthalmoplegia. Last evaluated: 2023-11-07. Review status: criteria provided, single submitter. Criteria: Invitae Variant Classification Sherloc (09022015). Collection method: clinical testing. Allele origin: germline.
Comment: This sequence change replaces proline, which is neutral and non-polar, with threonine, which is neutral and polar, at codon 31 of the MYH2 protein (p.Pro31Thr). This variant is present in population databases (rs367640819, gnomAD no frequency). This variant has not been reported in the literature in individuals affected with MYH2-related conditions. Advanced modeling of protein sequence and biophysical properties (such as structural, functional, and spatial information, amino acid conservation, physicochemical variation, residue mobility, and thermodynamic stability) has been performed at Invitae for this missense variant, however the output from this modeling did not meet the statistical confidence thresholds required to predict the impact of this variant on MYH2 protein function. In summary, the available evidence is currently insufficient to determine the role of this variant in disease. Therefore, it has been classified as a Variant of Uncertain Significance.